The following is an entry in ClinVar:

ClinVar aggregate classification (germline): Uncertain significance. Review status: criteria provided, multiple submitters, no conflicts (2 of 4 stars). 2 submissions from 2 submitters: Uncertain significance (2). Last evaluated 2025-10-09.

Conditions:
TBX3-related disorder. Also called: TBX3-related condition.
Ulnar-mammary syndrome (UMS). Also called: SCHINZEL SYNDROME; PALLISTER ULNAR-MAMMARY SYNDROME; Ulnar-mammary syndrome of Pallister. Identifiers: Orphanet 3138, MedGen C1866994, MONDO:0008411, OMIM 181450.

Allele frequency attached by ClinVar (database versions not stated): gnomAD 0.00001.

Submissions (2):

PreventionGenetics, part of Exact Sciences
Classification: Uncertain significance for TBX3-related condition. Last evaluated: 2025-10-09. Review status: criteria provided, single submitter. Criteria: ACMG Guidelines, 2015. Collection method: clinical testing. Allele origin: germline.
Comment: The TBX3 c.1817C>T variant is predicted to result in the amino acid substitution p.Thr606Met. To our knowledge, this variant has not been reported in the literature or in a large population database, indicating this variant is rare. At this time, the clinical significance of this variant is uncertain due to the absence of conclusive functional and genetic evidence.

Labcorp Genetics (formerly Invitae), Labcorp
Classification: Uncertain significance for Ulnar-mammary syndrome. Last evaluated: 2024-04-29. Review status: criteria provided, single submitter. Criteria: Invitae Variant Classification Sherloc (09022015). Collection method: clinical testing. Allele origin: germline.
Comment: This sequence change replaces threonine, which is neutral and polar, with methionine, which is neutral and non-polar, at codon 586 of the TBX3 protein (p.Thr586Met). This variant is not present in population databases (gnomAD no frequency). This variant has not been reported in the literature in individuals affected with TBX3-related conditions. ClinVar contains an entry for this variant (Variation ID: 2161037). An algorithm developed to predict the effect of missense changes on protein structure and function (PolyPhen-2) suggests that this variant is likely to be disruptive. In summary, the available evidence is currently insufficient to determine the role of this variant in disease. Therefore, it has been classified as a Variant of Uncertain Significance.

NM_005996.4(TBX3):c.1757C>T (p.Thr586Met)

Gene: TBX3 (T-box transcription factor 3; minus strand). Cytogenetic location: 12q24.21.
Variant type: single nucleotide variant.
Coding change: c.1757C>T on transcript NM_005996.4 (MANE Select); coding-DNA position 1757, C replaced by T.
Protein change: p.Thr586Met; replaces threonine 586 with methionine.
Molecular consequence: missense variant.
Genome position (GRCh38, 1-based): chr12:114,672,256, G>A on the plus strand (C>T on the coding strand, the complement: TBX3 is on the minus strand). VCF-style: chr12-114672256-G-A. GRCh37 (hg19) VCF-style: chr12-115110061-G-A.
Other names: c.1817C>T, p.Thr606Met (NM_016569.4); c.1817C>T (NM_016569.3); short protein forms T606M, T586M.
Identifiers: ClinVar variation 2161037 (VCV002161037.6), dbSNP rs755884541, ClinGen allele CA6809854.